The following is an entry in ClinVar:

ClinVar aggregate classification (germline): Uncertain significance. Review status: criteria provided, multiple submitters, no conflicts (2 of 4 stars). 2 submissions from 2 submitters: Uncertain significance (2). Last evaluated 2024-04-11.

Conditions:
Hereditary cancer-predisposing syndrome. Also called: Hereditary neoplastic syndrome; Tumor predisposition; Neoplastic Syndromes, Hereditary; Hereditary Cancer Syndrome. Identifiers: Orphanet 140162, MedGen C0027672, MeSH D009386, MONDO:0015356.

gnomAD v4.1: 1 of 1,613,736 alleles (0.000062%); highest among the groups gnomAD compares: South Asian, 0.0011%; no homozygotes.

Submissions (2):

Labcorp Genetics (formerly Invitae), Labcorp
Classification: Uncertain significance. Last evaluated: 2024-04-11. Review status: criteria provided, single submitter. Criteria: Invitae Variant Classification Sherloc (09022015). Collection method: clinical testing. Allele origin: germline.
Comment: This sequence change replaces cysteine, which is neutral and slightly polar, with serine, which is neutral and polar, at codon 822 of the MSH3 protein (p.Cys822Ser). This variant is not present in population databases (gnomAD no frequency). This variant has not been reported in the literature in individuals affected with MSH3-related conditions. ClinVar contains an entry for this variant (Variation ID: 1505926). An algorithm developed to predict the effect of missense changes on protein structure and function (PolyPhen-2) suggests that this variant is likely to be tolerated. In summary, the available evidence is currently insufficient to determine the role of this variant in disease. Therefore, it has been classified as a Variant of Uncertain Significance.

Ambry Genetics
Classification: Uncertain significance for Hereditary cancer-predisposing syndrome. Last evaluated: 2023-05-16. Review status: criteria provided, single submitter. Criteria: Ambry Variant Classification Scheme 2023. Collection method: clinical testing. Allele origin: germline.
Comment: The p.C822S variant (also known as c.2465G>C), located in coding exon 18 of the MSH3 gene, results from a G to C substitution at nucleotide position 2465. The cysteine at codon 822 is replaced by serine, an amino acid with dissimilar properties. This amino acid position is not well conserved in available vertebrate species. In addition, this alteration is predicted to be tolerated by in silico analysis. Since supporting evidence is limited at this time, the clinical significance of this alteration remains unclear.

NM_002439.5(MSH3):c.2465G>C (p.Cys822Ser)

Gene: MSH3 (mutS homolog 3; plus strand). Cytogenetic location: 5q14.1.
Variant type: single nucleotide variant.
Coding change: c.2465G>C on transcript NM_002439.5 (MANE Select); coding-DNA position 2465, G replaced by C.
Protein change: p.Cys822Ser; replaces cysteine 822 with serine.
Molecular consequence: missense variant.
Genome position (GRCh38, 1-based): chr5:80,787,594, G>C. VCF-style: chr5-80787594-G-C. GRCh37 (hg19) VCF-style: chr5-80083413-G-C.
Other names: c.2465G>C (NM_002439.3); short protein forms C822S.
Identifiers: ClinVar variation 1505926 (VCV001505926.9), dbSNP rs764482775, ClinGen allele CA360283085.